The following is an entry in ClinVar:

ClinVar aggregate classification (germline): Conflicting classifications of pathogenicity. Review status: criteria provided, conflicting classifications (1 of 4 stars). 9 submissions from 4 submitters: Uncertain significance (5); Likely benign (4). Last evaluated 2025-03-17.

Conditions:
Patterned macular dystrophy 1. Also called: BUTTERFLY DYSTROPHY OF RETINAL PIGMENT EPITHELIUM; MACULAR DYSTROPHY, BUTTERFLY-SHAPED PIGMENTARY. Identifiers: Orphanet 99001, MedGen C4551999, MONDO:0008210, OMIM 169150.
Choroidal dystrophy, central areolar 2 (CACD2). Also called: Choriodal Dystrophy, Central Areolar 2; MACULAR DYSTROPHY, PROGRESSIVE. Identifiers: Orphanet 75377, MedGen C2751290, MONDO:0013137, OMIM 613105.
Cone-rod dystrophy. Also called: Cone-rod degeneration; Cone/cone-rod dystrophy. Identifiers: Orphanet 1872, MedGen C4085590, MONDO:0015993, HP:0000548.
Adult-onset foveomacular vitelliform dystrophy. Also called: FOVEOMACULAR DYSTROPHY, ADULT-ONSET; FOVEOMACULAR DYSTROPHY, ADULT-ONSET, WITH OR WITHOUT CHOROIDAL NEOVASCULARIZATION; Adult onset vitelliform dystrophy. Identifiers: Orphanet 99000, MedGen C1842914, MONDO:0011979.
Pigmentary retinal dystrophy. Also called: Fundus albipunctatus. Identifiers: Orphanet 227796, Orphanet 52427, MedGen C0311338, MONDO:0007639, OMIM 136880, HP:0030642.
PRPH2-related disorder. Also called: PRPH2-related condition; PRPH2-related disorders. Identifiers: MedGen CN239395.
Retinitis pigmentosa (RP). Identifiers: Orphanet 791, MedGen C0035334, MeSH D012174, MONDO:0019200, OMIM 268000. Inheritance: Autosomal dominant, autosomal recessive and X linked inheritance.

Allele frequency attached by ClinVar (database versions not stated): ExAC 0.00002; gnomAD exomes 0.00002; gnomAD 0.00005; TOPMed 0.00005; ESP Exome Variant Server 0.00008; 1000 Genomes Project 30x 0.00016; 1000 Genomes Project 0.00020.
gnomAD v4.1: 81 of 1,614,126 alleles (0.005%); highest among the groups gnomAD compares: Non-Finnish European, 0.0066%; no homozygotes.

Submissions (9):

Labcorp Genetics (formerly Invitae), Labcorp
Classification: Likely benign for PRPH2-related disorder. Last evaluated: 2025-03-17. Review status: criteria provided, single submitter. Criteria: Invitae Variant Classification Sherloc (09022015). Collection method: clinical testing. Allele origin: germline.

Blueprint Genetics
Classification: Likely benign. Last evaluated: 2023-01-03. Review status: criteria provided, single submitter. Criteria: ACMG Guidelines, 2015. Collection method: clinical testing. Allele origin: germline.

Illumina Laboratory Services, Illumina
Classification: Uncertain significance for Pigmentary retinal dystrophy. Last evaluated: 2018-01-13. Review status: criteria provided, single submitter. Criteria: ICSL Variant Classification Criteria 13 December 2019. Collection method: clinical testing. Allele origin: germline.

Illumina Laboratory Services, Illumina
Classification: Likely benign for Vitelliform macular dystrophy 3. Last evaluated: 2018-01-13. Review status: criteria provided, single submitter. Criteria: ICSL Variant Classification Criteria 13 December 2019. Collection method: clinical testing. Allele origin: germline.
Comment: This variant was observed in the ICSL laboratory as part of a predisposition screen in an ostensibly healthy population. It had not been previously curated by ICSL or reported in the Human Gene Mutation Database (HGMD: prior to June 1st, 2018), and was therefore a candidate for classification through an automated scoring system. Utilizing variant allele frequency, disease prevalence and penetrance estimates, and inheritance mode, an automated score was calculated to assess if this variant is too frequent to cause the disease. Based on the score and internal cut-off values, a variant classified as likely benign is not then subjected to further curation. The score for this variant resulted in a classification of likely benign for this disease.

Illumina Laboratory Services, Illumina
Classification: Uncertain significance for Patterned macular dystrophy 1. Last evaluated: 2018-01-13. Review status: criteria provided, single submitter. Criteria: ICSL Variant Classification Criteria 13 December 2019. Collection method: clinical testing. Allele origin: germline.

Illumina Laboratory Services, Illumina
Classification: Uncertain significance for Retinitis pigmentosa. Last evaluated: 2018-01-13. Review status: criteria provided, single submitter. Criteria: ICSL Variant Classification Criteria 13 December 2019. Collection method: clinical testing. Allele origin: germline.

Illumina Laboratory Services, Illumina
Classification: Uncertain significance for Cone-rod dystrophy. Last evaluated: 2018-01-13. Review status: criteria provided, single submitter. Criteria: ICSL Variant Classification Criteria 13 December 2019. Collection method: clinical testing. Allele origin: germline.

Illumina Laboratory Services, Illumina
Classification: Likely benign for Choroidal dystrophy, central areolar 2. Last evaluated: 2018-01-13. Review status: criteria provided, single submitter. Criteria: ICSL Variant Classification Criteria 13 December 2019. Collection method: clinical testing. Allele origin: germline.
Comment: the same text as in the submission from Illumina Laboratory Services, Illumina above.

Eurofins Ntd Llc (ga)
Classification: Uncertain significance. Last evaluated: 2016-12-09. Review status: criteria provided, single submitter. Criteria: EGL Classification Definitions 2015. Collection method: clinical testing. Allele origin: germline. Observed: 1 variant allele, 1 heterozygote.

NM_000322.5(PRPH2):c.888C>T (p.Pro296=)

Gene: PRPH2 (peripherin 2; minus strand). Cytogenetic location: 6p21.1.
Variant type: single nucleotide variant.
Coding change: c.888C>T on transcript NM_000322.5 (MANE Select); coding-DNA position 888, C replaced by T.
Protein change: p.Pro296=; no amino-acid change (proline 296 retained).
Molecular consequence: synonymous variant.
Genome position (GRCh38, 1-based): chr6:42,698,448, G>A on the plus strand (C>T on the coding strand, the complement: PRPH2 is on the minus strand). VCF-style: chr6-42698448-G-A. GRCh37 (hg19) VCF-style: chr6-42666186-G-A.
Identifiers: ClinVar variation 498453 (VCV000498453.20), dbSNP rs183714869, ClinGen allele CA3808492.